The following is an entry in ClinVar:

ClinVar aggregate classification (germline): Pathogenic (1 of 4 stars; one submission).

Conditions:
Salla disease (SD). Also called: Sialuria, Finnish type; N-acetylneuraminic acid (NANA) storage disease (NSD); Infantile sialic acid storage disorder (ISSD); Less Severe FSASD (Salla Disease). Identifiers: Orphanet 309334, Orphanet 834, MedGen C1096903, MONDO:0011449, OMIM 604369.

Submission:

Labcorp Genetics (formerly Invitae), Labcorp
Classification: Pathogenic for Salla disease. Last evaluated: 2021-09-21. Review status: criteria provided, single submitter. Criteria: Invitae Variant Classification Sherloc (09022015). Collection method: clinical testing. Allele origin: germline.
Comment: This variant is a gross deletion of the genomic region encompassing exon(s) 10-11 of the SLC17A5 gene, which includes the termination codon. This deletion extends beyond the assayed region for this gene and therefore may encompass additional genes. While this deletion is not anticipated to lead to nonsense mediated decay, it is expected to alter mRNA translation or result in a truncated protein product. A similar copy number variant has been observed in individual(s) with sialic acid storage disease (PMID: 15805149). This variant disrupts a region of the SLC17A5 protein in which other variant(s) (p.Phe432Leufs*16) have been determined to be pathogenic (PMID: 15805149). This suggests that this is a clinically significant region of the protein, and that variants that disrupt it are likely to be disease-causing. For these reasons, this variant has been classified as Pathogenic.

Literature cited by the submitters: PubMed 15805149.

NC_000006.11:g.(?_74304790)_(74310174_?)del

Gene: SLC17A5 (solute carrier family 17 member 5; minus strand). Cytogenetic location: 6q13.
Variant type: Deletion.
Identifiers: ClinVar variation 1460247 (VCV001460247.3).